The following is an entry in ClinVar:

NM_138393.4(REEP6):c.328C>T (p.Pro110Ser)

Gene: REEP6 (receptor accessory protein 6; plus strand). Cytogenetic location: 19p13.3.
Variant type: single nucleotide variant.
Coding change: c.328C>T on transcript NM_138393.4 (MANE Select); coding-DNA position 328, C replaced by T.
Protein change: p.Pro110Ser; replaces proline 110 with serine.
Molecular consequence: missense variant.
Genome position (GRCh38, 1-based): chr19:1,495,587, C>T. VCF-style: chr19-1495587-C-T. GRCh37 (hg19) VCF-style: chr19-1495586-C-T.
Other names: c.328C>T, p.Pro110Ser (NM_001329556.3); short protein forms P110S.
Identifiers: ClinVar variation 2039680 (VCV002039680.2), dbSNP rs747958548, ClinGen allele CA9047488.

ClinVar aggregate classification (germline): Uncertain significance. Review status: criteria provided, multiple submitters, no conflicts (2 of 4 stars). 2 submissions from 2 submitters: Uncertain significance (2). Last evaluated 2022-07-01.

Allele frequency attached by ClinVar (database versions not stated): gnomAD 0.00002; gnomAD exomes 0.00004; TOPMed 0.00005; ExAC 0.00007.

Submissions (2):

Labcorp Genetics (formerly Invitae), Labcorp
Classification: Uncertain significance. Last evaluated: 2022-07-01. Review status: criteria provided, single submitter. Criteria: Invitae Variant Classification Sherloc (09022015). Collection method: clinical testing. Allele origin: germline.
Comment: This sequence change replaces proline, which is neutral and non-polar, with serine, which is neutral and polar, at codon 110 of the REEP6 protein (p.Pro110Ser). This variant is present in population databases (rs747958548, gnomAD 0.06%). This variant has not been reported in the literature in individuals affected with REEP6-related conditions. Experimental studies and prediction algorithms are not available or were not evaluated, and the functional significance of this variant is currently unknown. In summary, the available evidence is currently insufficient to determine the role of this variant in disease. Therefore, it has been classified as a Variant of Uncertain Significance.

Blueprint Genetics
Classification: Uncertain significance. Last evaluated: 2022-04-19. Review status: criteria provided, single submitter. Criteria: ACMG Guidelines, 2015. Collection method: clinical testing. Allele origin: germline.